The following is an entry in ClinVar:

ClinVar aggregate classification (germline): Uncertain significance. Review status: criteria provided, multiple submitters, no conflicts (2 of 4 stars). 6 submissions from 4 submitters: Uncertain significance (6). Last evaluated 2025-12-29.

Conditions:
C3 glomerulonephritis. Also called: C3 GLOMERULOPATHY 3; Nephropathy due to CFHR5 Deficiency. Identifiers: Orphanet 329931, MedGen C4055342, MONDO:0013892, OMIM 614809.
Complement component 3 deficiency. Identifiers: Orphanet 280133, MedGen C3151071, MONDO:0013417, OMIM 613779.
Age related macular degeneration 9. Identifiers: MedGen C1969651, MONDO:0012659, OMIM 611378.
Atypical hemolytic-uremic syndrome with C3 anomaly. Also called: AHUS, SUSCEPTIBILITY TO, 5. Identifiers: Orphanet 2134, MedGen C2752037, MONDO:0013043, OMIM 612925.

Allele frequency attached by ClinVar (database versions not stated): gnomAD exomes below 0.00001 and 0.00001; gnomAD 0.00001 and 0.00002; TOPMed 0.00002.
gnomAD v4.1: 7 of 1,613,966 alleles (0.00043%); highest among the groups gnomAD compares: African/African-American, 0.0013%; no homozygotes.

Submissions (6):

Labcorp Genetics (formerly Invitae), Labcorp
Classification: Uncertain significance. Last evaluated: 2025-12-29. Review status: criteria provided, single submitter. Criteria: Invitae Variant Classification Sherloc (09022015). Collection method: clinical testing. Allele origin: germline.
Comment: This sequence change replaces arginine, which is basic and polar, with glutamine, which is neutral and polar, at codon 148 of the C3 protein (p.Arg148Gln). This variant is present in population databases (no rsID available, gnomAD 0.007%). This missense change has been observed in individual(s) with clinical features of C3-related conditions (PMID: 26283675, 34973142, 38344720). ClinVar contains an entry for this variant (Variation ID: 330340). Invitae Evidence Modeling of protein sequence and biophysical properties (such as structural, functional, and spatial information, amino acid conservation, physicochemical variation, residue mobility, and thermodynamic stability) indicates that this missense variant is not expected to disrupt C3 protein function with a negative predictive value of 80%. In summary, the available evidence is currently insufficient to determine the role of this variant in disease. Therefore, it has been classified as a Variant of Uncertain Significance.

Genomenon, Inc
Classification: Uncertain significance for C3 glomerulonephritis. Last evaluated: 2025-09-30. Review status: criteria provided, single submitter. Criteria: Genomenon Sequence Variant Interpretation Standards. Collection method: curation. Allele origin: germline. Affected: yes.
Comment: C3 p.Arg148Gln (c.443G>A) is a missense variant that changes the amino acid at residue 148 from Arginine to Glutamine. This variant has been observed in at least one proband affected with C3 glomerulonephritis (PMID:38344720;26283675). It is absent or not present at a significant frequency in gnomAD. In conclusion, we classify C3 p.Arg148Gln (c.443G>A) as a variant of unknown significance.

Mayo Clinic Laboratories, Mayo Clinic
Classification: Uncertain significance. Last evaluated: 2021-08-04. Review status: criteria provided, single submitter. Criteria: ACMG Guidelines, 2015. Collection method: clinical testing. Allele origin: germline.

Illumina Laboratory Services, Illumina
Classification: Uncertain significance for Atypical hemolytic-uremic syndrome with C3 anomaly. Last evaluated: 2018-01-13. Review status: criteria provided, single submitter. Criteria: ICSL Variant Classification Criteria 13 December 2019. Collection method: clinical testing. Allele origin: germline.

Illumina Laboratory Services, Illumina
Classification: Uncertain significance for Complement component 3 deficiency. Last evaluated: 2018-01-13. Review status: criteria provided, single submitter. Criteria: ICSL Variant Classification Criteria 13 December 2019. Collection method: clinical testing. Allele origin: germline.

Illumina Laboratory Services, Illumina
Classification: Uncertain significance for Age related macular degeneration 9. Last evaluated: 2018-01-13. Review status: criteria provided, single submitter. Criteria: ICSL Variant Classification Criteria 13 December 2019. Collection method: clinical testing. Allele origin: germline.

Literature cited by the submitters: PubMed 26283675 (cited by Labcorp Genetics (formerly Invitae), Labcorp and Genomenon, Inc); PubMed 34973142 (cited by Labcorp Genetics (formerly Invitae), Labcorp); PubMed 38344720 (cited by Labcorp Genetics (formerly Invitae), Labcorp and Genomenon, Inc).

NM_000064.4(C3):c.443G>A (p.Arg148Gln)

Gene: C3 (complement C3; minus strand). Cytogenetic location: 19p13.3.
Variant type: single nucleotide variant.
Coding change: c.443G>A on transcript NM_000064.4 (MANE Select); coding-DNA position 443, G replaced by A.
Protein change: p.Arg148Gln; replaces arginine 148 with glutamine.
Molecular consequence: missense variant.
Genome position (GRCh38, 1-based): chr19:6,718,155, C>T on the plus strand (G>A on the coding strand, the complement: C3 is on the minus strand). VCF-style: chr19-6718155-C-T. GRCh37 (hg19) VCF-style: chr19-6718166-C-T.
Other names: c.443G>A (LRG_27t1); short protein forms R148Q.
Identifiers: ClinVar variation 330340 (VCV000330340.17), dbSNP rs886054657, ClinGen allele CA10643358.